The following is an entry in ClinVar:

ClinVar aggregate classification (germline): Uncertain significance (1 of 4 stars; one submission).

Submission:

GeneDx
Classification: Uncertain significance. Last evaluated: 2022-10-25. Review status: criteria provided, single submitter. Criteria: GeneDx Variant Classification Process June 2021. Collection method: clinical testing. Allele origin: germline. Affected: yes.
Comment: Not observed at significant frequency in large population cohorts (gnomAD); In silico analysis supports that this missense variant does not alter protein structure/function; Has not been previously published as pathogenic or benign to our knowledge

NM_001540.5(HSPB1):c.556G>C (p.Glu186Gln)

Gene: HSPB1 (heat shock protein family B (small) member 1; plus strand). Cytogenetic location: 7q11.23.
Variant type: single nucleotide variant.
Coding change: c.556G>C on transcript NM_001540.5 (MANE Select); coding-DNA position 556, G replaced by C.
Protein change: p.Glu186Gln; replaces glutamic acid 186 with glutamine.
Molecular consequence: missense variant.
Genome position (GRCh38, 1-based): chr7:76,304,111, G>C. VCF-style: chr7-76304111-G-C. GRCh37 (hg19) VCF-style: chr7-75933428-G-C.
Other names: short protein forms E186Q.
Identifiers: ClinVar variation 2500647 (VCV002500647.1), dbSNP rs1803072543, ClinGen allele CA367766421.